The following is an entry in ClinVar:

NM_005045.4(RELN):c.9379G>T (p.Gly3127Cys)

Genes: SLC26A5-AS1 (SLC26A5 antisense RNA 1; plus strand), RELN (reelin; minus strand). Cytogenetic location: 7q22.1.
Variant type: single nucleotide variant.
Coding change: c.9379G>T on transcript NM_005045.4 (MANE Select); coding-DNA position 9379, G replaced by T.
Protein change: p.Gly3127Cys; replaces glycine 3127 with cysteine.
Molecular consequence: missense variant.
Genome position (GRCh38, 1-based): chr7:103,492,017, C>A on the plus strand (G>T on the coding strand, the complement: RELN is on the minus strand). VCF-style: chr7-103492017-C-A. GRCh37 (hg19) VCF-style: chr7-103132464-C-A.
Other names: c.9379G>T, p.Gly3127Cys (NM_173054.3); short protein forms G3127C.
Identifiers: ClinVar variation 1721359 (VCV001721359.5), dbSNP rs2485724934, ClinGen allele CA368746858.
Genomic context (GRCh38, chr7:103,492,017, plus strand): 5'-CATCCTTAGTGTATTCCAGCATTACGGAATGAAGGTCACCACAAGAAGTGGCTTCACAAC[C>A]CACCACAATCTAAAACAAACATAAACAATCAATACACAGGTAAGATTAGATGATACTGAA-3'
Protein context (NP_005036.2, residues 3117-3137): GYMMQFKIVV[Gly3127Cys]CEATSCGDLH

ClinVar aggregate classification (germline): Uncertain significance (1 of 4 stars; one submission).

Conditions:
Norman-Roberts syndrome (LIS2). Also called: Lissencephaly 2 (Norman-Roberts type). Identifiers: Orphanet 89844, MedGen C0796089, MONDO:0009760, OMIM 257320.
Familial temporal lobe epilepsy 7. Identifiers: Orphanet 101046, MedGen C4225327, MONDO:0014639, OMIM 616436.

Submission:

Labcorp Genetics (formerly Invitae), Labcorp
Classification: Uncertain significance for Familial temporal lobe epilepsy 7; Norman-Roberts syndrome. Last evaluated: 2022-10-09. Review status: criteria provided, single submitter. Criteria: Invitae Variant Classification Sherloc (09022015). Collection method: clinical testing. Allele origin: germline.
Comment: This variant has not been reported in the literature in individuals affected with RELN-related conditions. This variant is not present in population databases (gnomAD no frequency). This sequence change replaces glycine, which is neutral and non-polar, with cysteine, which is neutral and slightly polar, at codon 3127 of the RELN protein (p.Gly3127Cys). Advanced modeling of protein sequence and biophysical properties (such as structural, functional, and spatial information, amino acid conservation, physicochemical variation, residue mobility, and thermodynamic stability) performed at Invitae indicates that this missense variant is not expected to disrupt RELN protein function. In summary, the available evidence is currently insufficient to determine the role of this variant in disease. Therefore, it has been classified as a Variant of Uncertain Significance.